The following is an entry in ClinVar:

NM_000051.4(ATM):c.8851-3T>C

Genes: ATM (ATM serine/threonine kinase; plus strand), C11orf65 (chromosome 11 open reading frame 65; minus strand). Cytogenetic location: 11q22.3.
Variant type: single nucleotide variant.
Coding change: c.8851-3T>C on transcript NM_000051.4 (MANE Select); 3 bases into the intron before coding-DNA position 8851, T replaced by C.
Molecular consequence: intron variant.
Genome position (GRCh38, 1-based): chr11:108,365,079, T>C. VCF-style: chr11-108365079-T-C. GRCh37 (hg19) VCF-style: chr11-108235806-T-C.
Other names: c.8851-3T>C (NM_001351834.2); c.640+20841A>G (NM_001330368.2); c.694+20841A>G (NM_001351110.2).
Identifiers: ClinVar variation 1332220 (VCV001332220.13), dbSNP rs748874219, ClinGen allele CA6266484.

ClinVar aggregate classification (germline): Conflicting classifications of pathogenicity. Review status: criteria provided, conflicting classifications (1 of 4 stars). 4 submissions from 4 submitters: Uncertain significance (1); Likely benign (3). Last evaluated 2025-05-18.

Conditions:
Hereditary cancer-predisposing syndrome. Also called: Tumor predisposition; Neoplastic Syndromes, Hereditary; Hereditary Cancer Syndrome; Hereditary neoplastic syndrome. Identifiers: Orphanet 140162, MedGen C0027672, MeSH D009386, MONDO:0015356.
Familial cancer of breast. Also called: BREAST CANCER, FAMILIAL; Hereditary breast cancer; hereditary breast carcinoma. Identifiers: Orphanet 227535, MedGen C0346153, MONDO:0016419, OMIM 114480. Disease mechanism: loss of function.
Ataxia-telangiectasia syndrome (AT). Also called: Ataxia-telangiectasia; LOUIS-BAR SYNDROME; Ataxia-telangiectasia, complementation group D; AT, COMPLEMENTATION GROUP C; ATAXIA-TELANGIECTASIA, COMPLEMENTATION GROUP A; ATAXIA-TELANGIECTASIA, FRESNO VARIANT. Identifiers: Orphanet 100, MedGen C0004135, MONDO:0008840, OMIM 208900.

gnomAD v4.1: 4 of 1,613,896 alleles (0.00025%); highest among the groups gnomAD compares: South Asian, 0.0033%; no homozygotes.

Submissions (4):

Labcorp Genetics (formerly Invitae), Labcorp
Classification: Uncertain significance for Ataxia-telangiectasia syndrome. Last evaluated: 2025-05-18. Review status: criteria provided, single submitter. Criteria: Invitae Variant Classification Sherloc (09022015). Collection method: clinical testing. Allele origin: germline.
Comment: This sequence change falls in intron 61 of the ATM gene. It does not directly change the encoded amino acid sequence of the ATM protein. It affects a nucleotide within the consensus splice site. This variant is present in population databases (rs748874219, gnomAD 0.006%). This variant has not been reported in the literature in individuals affected with ATM-related conditions. ClinVar contains an entry for this variant (Variation ID: 1332220). Variants that disrupt the consensus splice site are a relatively common cause of aberrant splicing (PMID: 17576681, 9536098). Algorithms developed to predict the effect of sequence changes on RNA splicing suggest that this variant is not likely to affect RNA splicing. In summary, the available evidence is currently insufficient to determine the role of this variant in disease. Therefore, it has been classified as a Variant of Uncertain Significance.

Myriad Genetics, Inc.
Classification: Likely benign for Familial cancer of breast. Last evaluated: 2024-06-21. Review status: criteria provided, single submitter. Criteria: Myriad Autosomal Dominant, Autosomal Recessive and X-Linked Classification Criteria (2023). Collection method: clinical testing. Allele origin: unknown.
Comment: This variant is considered likely benign. This variant is intronic and is not expected to impact mRNA splicing.

Color Diagnostics, LLC DBA Color Health
Classification: Likely benign for Hereditary cancer-predisposing syndrome. Last evaluated: 2021-05-17. Review status: criteria provided, single submitter. Criteria: ACMG Guidelines, 2015. Collection method: clinical testing. Allele origin: germline.

Ambry Genetics
Classification: Likely benign for Hereditary cancer-predisposing syndrome. Last evaluated: 2020-02-07. Review status: criteria provided, single submitter. Criteria: Ambry Variant Classification Scheme 2023. Collection method: clinical testing. Allele origin: germline.

Literature cited by the submitters: PubMed 17576681 (cited by Labcorp Genetics (formerly Invitae), Labcorp); PubMed 9536098 (cited by Labcorp Genetics (formerly Invitae), Labcorp).